The following is an entry in ClinVar:

NM_014850.4(SRGAP3):c.1443del (p.Cys482fs)

Gene: SRGAP3 (SLIT-ROBO Rho GTPase activating protein 3; minus strand). Cytogenetic location: 3p25.3.
Variant type: Deletion.
Coding change: c.1443del on transcript NM_014850.4 (MANE Select); coding-DNA position 1443, one base deleted (C; older notation c.1443delC).
Protein change: p.Cys482fs; shifts the reading frame from cysteine 482.
Molecular consequence: frameshift variant. On other transcripts: intron variant (1).
Genome position (GRCh38, 1-based): chr3:9,032,746, G deleted on the plus strand (C on the coding strand, the reverse complement: SRGAP3 is on the minus strand); the first of 6 consecutive G bases (chr3:9,032,746-9,032,751); deleting any one gives the same sequence. VCF-style (leftmost placement, unchanged base first): chr3-9032745-AG-A. GRCh37 (hg19) VCF-style: chr3-9074429-AG-A.
Other names: c.1437-4616del (NM_001033117.3); short protein forms C482fs.
Identifiers: ClinVar variation 3351680 (VCV003351680.1).

ClinVar aggregate classification (germline): Uncertain significance (0 of 4 stars; one submission).

Conditions:
SRGAP3-related disorder. Also called: SRGAP3-related condition.

Submission:

PreventionGenetics, part of Exact Sciences
Classification: Uncertain significance for SRGAP3-related condition. Last evaluated: 2024-04-22. Review status: no assertion criteria provided. Collection method: clinical testing. Allele origin: germline.
Comment: The SRGAP3 c.1443delC variant is predicted to result in a frameshift and premature protein termination (p.Cys482Valfs*9). To our knowledge, this variant has not been reported in the literature or in gnomAD, indicating this variant is rare. At this time, the clinical significance of this variant is uncertain due to the absence of conclusive functional and genetic evidence.